The following is an entry in ClinVar:

ClinVar aggregate classification (germline): Uncertain significance (1 of 4 stars; one submission).

Conditions:
Long QT syndrome (LQTS). Identifiers: MedGen C0023976, MeSH D008133, MONDO:0002442. Disease mechanism: loss of function. Inheritance: Various modes of inheritance.

Submission:

Labcorp Genetics (formerly Invitae), Labcorp
Classification: Uncertain significance for Long QT syndrome. Last evaluated: 2024-04-25. Review status: criteria provided, single submitter. Criteria: Invitae Variant Classification Sherloc (09022015). Collection method: clinical testing. Allele origin: germline.
Comment: This sequence change replaces valine, which is neutral and non-polar, with methionine, which is neutral and non-polar, at codon 271 of the KCNJ5 protein (p.Val271Met). Information on the frequency of this variant in the gnomAD database is not available, as this variant may be reported differently in the database. This variant has not been reported in the literature in individuals affected with KCNJ5-related conditions. ClinVar contains an entry for this variant (Variation ID: 664900). Experimental studies and prediction algorithms are not available or were not evaluated, and the functional significance of this variant is currently unknown. In summary, the available evidence is currently insufficient to determine the role of this variant in disease. Therefore, it has been classified as a Variant of Uncertain Significance.

NM_000890.5(KCNJ5):c.810_811delinsGA (p.Val271Met)

Gene: KCNJ5 (potassium inwardly rectifying channel subfamily J member 5; plus strand). Cytogenetic location: 11q24.3.
Variant type: Indel.
Coding change: c.810_811delinsGA on transcript NM_000890.5 (MANE Select); coding-DNA positions 810 to 811, TG replaced by GA.
Protein change: p.Val271Met; replaces valine 271 with methionine.
Molecular consequence: missense variant.
Genome position (GRCh38, 1-based): chr11:128,912,083-128,912,084, TG replaced by GA. VCF-style: chr11-128912083-TG-GA. GRCh37 (hg19) VCF-style: chr11-128781978-TG-GA.
Other names: c.810_811delinsGA (LRG_333t1); c.810_811delinsGA, p.Val271Met (NM_001354169.2); short protein forms V271M.
Identifiers: ClinVar variation 664900 (VCV000664900.8), dbSNP rs1591450867, ClinGen allele CA915947860.